The following is an entry in ClinVar:

NM_004006.3(DMD):c.9085-15519G>T

Gene: DMD (dystrophin; minus strand). Cytogenetic location: Xp21.2.
Variant type: single nucleotide variant.
Coding change: c.9085-15519G>T on transcript NM_004006.3 (MANE Select); 15519 bases into the intron before coding-DNA position 9085, G replaced by T.
Molecular consequence: intron variant.
Genome position (GRCh38, 1-based): chrX:31,364,153, C>A on the plus strand (G>T on the coding strand, the complement: DMD is on the minus strand). VCF-style: chrX-31364153-C-A. GRCh37 (hg19) VCF-style: chrX-31382270-C-A.
Other names: c.9061-15519G>T (NM_000109.4); c.5062-15519G>T (NM_004011.4); c.5053-15519G>T (NM_004012.4); c.1705-15519G>T (NM_004023.3, NM_004020.4, NM_004022.3 and 2 more transcripts); c.898-15519G>T (NM_004014.3); c.9073-15519G>T (NM_004009.3); c.8716-15519G>T (NM_004010.3).
Identifiers: ClinVar variation 4710670 (VCV004710670.1), dbSNP rs2148603618.

ClinVar aggregate classification (germline): Likely pathogenic (1 of 4 stars; one submission).

Conditions:
Duchenne muscular dystrophy (DMD). Also called: MUSCULAR DYSTROPHY, PSEUDOHYPERTROPHIC PROGRESSIVE, DUCHENNE TYPE; Duchenne Muscular Dystrophy (DMD). Identifiers: Orphanet 98896, MedGen C0013264, MONDO:0010679, OMIM 310200.

Submission:

Labcorp Genetics (formerly Invitae), Labcorp
Classification: Likely pathogenic for Duchenne muscular dystrophy. Last evaluated: 2025-10-25. Review status: criteria provided, single submitter. Criteria: Invitae Variant Classification Sherloc (09022015). Collection method: clinical testing. Allele origin: germline.
Comment: This sequence change falls in intron 60 of the DMD gene. It does not directly change the encoded amino acid sequence of the DMD protein. RNA analysis indicates that this variant induces altered splicing and may result in an absent or altered protein product. The frequency data for this variant in the population databases is considered unreliable, as metrics indicate insufficient coverage at this position in the gnomAD database. This variant has been observed in individual(s) with DMD-related conditions (PMID: 14659407). This variant is also known as IVS60+80328G>T. Studies have shown that this variant results in an 89 nt-long insertion between exons 60 and 61, and produces a non-functional protein and/or introduces a premature termination codon (PMID: 14659407). In summary, the currently available evidence indicates that the variant is pathogenic, but additional data are needed to prove that conclusively. Therefore, this variant has been classified as Likely Pathogenic.

Literature cited by the submitters: PubMed 14659407.